The following is an entry in ClinVar:

NM_052865.4(MGME1):c.456G>A (p.Trp152Ter)

Genes: MGME1 (mitochondrial genome maintenance exonuclease 1; plus strand), LOC126862983 (CDK7 strongly-dependent group 2 enhancer GRCh37_chr20:17950167-17951366; plus strand). Cytogenetic location: 20p11.23.
Variant type: single nucleotide variant.
Coding change: c.456G>A on transcript NM_052865.4 (MANE Select); coding-DNA position 456, G replaced by A.
Protein change: p.Trp152Ter; replaces tryptophan 152 with a stop codon.
Molecular consequence: nonsense. On other transcripts: intron variant (1).
Genome position (GRCh38, 1-based): chr20:17,970,315, G>A. VCF-style: chr20-17970315-G-A. GRCh37 (hg19) VCF-style: chr20-17950958-G-A.
Other names: c.456G>A, p.Trp152Ter (NM_001310338.2, NM_001310339.2); c.271+185G>A (NM_001363738.2); short protein forms W152*.
Identifiers: ClinVar variation 40051 (VCV000040051.6), dbSNP rs587776943, ClinGen allele CA214404.
Genomic context (GRCh38, chr20:17,970,315, plus strand): 5'-TGTGACCCGAGTCCTTCAGCAGACCATGACAAAACAACAGGTTTTCTTGTTGGAGAGGTG[G>A]AAACAGCGGATGATTCTGGAACTGGGAGAAGATGGCTTTAAAGAATACACTTCAAGTAAT-3'

ClinVar aggregate classification (germline): Pathogenic/Likely pathogenic. Review status: criteria provided, multiple submitters, no conflicts (2 of 4 stars). 3 submissions from 3 submitters: Pathogenic (1); Likely pathogenic (1). 1 of the submissions does not count toward it. Last evaluated 2022-02-11.

Conditions:
Mitochondrial DNA depletion syndrome 11 (MTDPS11). Identifiers: Orphanet 352447, MedGen C3554462, MONDO:0014039, OMIM 615084.

Allele frequency attached by ClinVar (database versions not stated): gnomAD exomes below 0.00001 and 0.00001; ExAC 0.00001.
gnomAD v4.1: 3 of 1,614,168 alleles (0.00019%); highest among the groups gnomAD compares: Non-Finnish European, 0.00025%; no homozygotes.

Submissions (3):

Kariminejad - Najmabadi Pathology & Genetics Center
Classification: Pathogenic for Mitochondrial DNA depletion syndrome 11. Last evaluated: 2022-02-11. Review status: criteria provided, single submitter. Criteria: ACMG Guidelines, 2015. Collection method: clinical testing. Allele origin: germline. Inheritance: Autosomal recessive inheritance. Affected: yes.
Comment: PM2, PVS1, PP5

Revvity Omics, Revvity
Classification: Likely pathogenic for Mitochondrial DNA depletion syndrome 11. Last evaluated: 2020-01-17. Review status: criteria provided, single submitter. Criteria: ACMG Guidelines, 2015. Collection method: clinical testing. Allele origin: germline.

OMIM
Classification: Pathogenic for MITOCHONDRIAL DNA DEPLETION SYNDROME 11. Last evaluated: 2013-02-01. Review status: no assertion criteria provided. Collection method: literature only. Allele origin: germline. Not counted in ClinVar's aggregate classification.

Literature cited by the submitters: PubMed 23313956 (cited by OMIM).